The following is an entry in ClinVar:

NM_053025.4(MYLK):c.998C>T (p.Pro333Leu)

Gene: MYLK (myosin light chain kinase; minus strand). Cytogenetic location: 3q21.1.
Variant type: single nucleotide variant.
Coding change: c.998C>T on transcript NM_053025.4 (MANE Select); coding-DNA position 998, C replaced by T.
Protein change: p.Pro333Leu; replaces proline 333 with leucine.
Molecular consequence: missense variant.
Genome position (GRCh38, 1-based): chr3:123,733,998, G>A on the plus strand (C>T on the coding strand, the complement: MYLK is on the minus strand). VCF-style: chr3-123733998-G-A. GRCh37 (hg19) VCF-style: chr3-123452845-G-A.
Other names: c.470C>T, p.Pro157Leu (NM_001321309.2); c.998C>T, p.Pro333Leu (NM_053026.4, NM_053027.4, NM_053028.4); short protein forms P333L, P157L.
Identifiers: ClinVar variation 846429 (VCV000846429.16), dbSNP rs568039936, ClinGen allele CA073825.
Genomic context (GRCh38, chr3:123,733,998, plus strand): 5'-TGAACTCTTGCGGCCTGCAGGGTGATGGAGCTGGAAGTCTTCTGAAGGACCGGGGTCTGC[G>A]GGGCCGTTCTGGGCGAGTCCTTGCATGACTCCAGCTTGGACTCCCTTGGGGGCTGAGGCT-3'
Protein context (NP_444253.3, residues 323-343): ESCKDSPRTA[Pro333Leu]QTPVLQKTSS

ClinVar aggregate classification (germline): Conflicting classifications of pathogenicity. Review status: criteria provided, conflicting classifications (1 of 4 stars). 6 submissions from 6 submitters: Uncertain significance (3); Likely benign (3). Last evaluated 2026-01-26.

Conditions:
Aortic aneurysm, familial thoracic 7 (AAT7). Also called: AORTIC DISSECTION, FAMILIAL, WITH OR WITHOUT AORTIC ANEURYSM. Identifiers: MedGen C3151077, MONDO:0013418, OMIM 613780.
Familial thoracic aortic aneurysm and aortic dissection (TAAD). Also called: Thoracic aortic aneurysms and dissections. Identifiers: Orphanet 91387, MedGen C4707243, MONDO:0019625.

Allele frequency attached by ClinVar (database versions not stated): gnomAD 0.00004 and 0.00006; TOPMed 0.00005; gnomAD exomes 0.00006 and 0.00008; ExAC 0.00007; 1000 Genomes Project 30x 0.00016; 1000 Genomes Project 0.00020.
gnomAD v4.1: 91 of 1,614,120 alleles (0.0056%); highest among the groups gnomAD compares: South Asian, 0.038%; no homozygotes.

Submissions (6):

Labcorp Genetics (formerly Invitae), Labcorp
Classification: Uncertain significance for Aortic aneurysm, familial thoracic 7. Last evaluated: 2026-01-26. Review status: criteria provided, single submitter. Criteria: Invitae Variant Classification Sherloc (09022015). Collection method: clinical testing. Allele origin: germline.
Comment: This sequence change replaces proline, which is neutral and non-polar, with leucine, which is neutral and non-polar, at codon 333 of the MYLK protein (p.Pro333Leu). This variant is present in population databases (rs568039936, gnomAD 0.04%). This missense change has been observed in individual(s) with clinical features of MYLK-related conditions (PMID: 38958168). ClinVar contains an entry for this variant (Variation ID: 846429). Invitae Evidence Modeling of protein sequence and biophysical properties (such as structural, functional, and spatial information, amino acid conservation, physicochemical variation, residue mobility, and thermodynamic stability) indicates that this missense variant is not expected to disrupt MYLK protein function with a negative predictive value of 95%. In summary, the available evidence is currently insufficient to determine the role of this variant in disease. Therefore, it has been classified as a Variant of Uncertain Significance.

Molecular Diagnostic Laboratory for Inherited Cardiovascular Disease, Montreal Heart Institute
Classification: Likely benign. Last evaluated: 2025-04-09. Review status: criteria provided, single submitter. Criteria: ACMG Guidelines, 2015. Collection method: clinical testing. Allele origin: germline. Affected: no.
Comment: BS1;BP4

Women's Health and Genetics/Laboratory Corporation of America, LabCorp
Classification: Likely benign. Last evaluated: 2024-02-05. Review status: criteria provided, single submitter. Criteria: LabCorp Variant Classification Summary - May 2015. Collection method: clinical testing. Allele origin: germline.
Comment: Variant summary: MYLK c.998C>T (p.Pro333Leu) results in a non-conservative amino acid change in the encoded protein sequence. Four of five in-silico tools predict a benign effect of the variant on protein function. The variant allele was found at a frequency of 7.6e-05 in 248820 control chromosomes. The observed variant frequency is approximately 30.54 fold of the estimated maximal expected allele frequency for a pathogenic variant in MYLK causing Aortopathy phenotype (2.5e-06), strongly suggesting that the variant is benign. To our knowledge, no occurrence of c.998C>T in individuals affected with Aortopathy and no experimental evidence demonstrating its impact on protein function have been reported. ClinVar contains an entry for this variant (Variation ID: 846429). Based on the evidence outlined above, the variant was classified as likely benign.

GeneDx
Classification: Uncertain significance. Last evaluated: 2022-12-02. Review status: criteria provided, single submitter. Criteria: GeneDx Variant Classification Process June 2021. Collection method: clinical testing. Allele origin: germline. Affected: yes.
Comment: Has not been previously published as pathogenic or benign to our knowledge; In silico analysis supports that this missense variant does not alter protein structure/function

CHEO Genetics Diagnostic Laboratory, Children's Hospital of Eastern Ontario
Classification: Uncertain significance for Familial thoracic aortic aneurysm and aortic dissection. Last evaluated: 2022-05-30. Review status: criteria provided, single submitter. Criteria: ACMG Guidelines, 2015. Collection method: clinical testing. Allele origin: germline.

Ambry Genetics
Classification: Likely benign for Familial thoracic aortic aneurysm and aortic dissection. Last evaluated: 2022-02-04. Review status: criteria provided, single submitter. Criteria: Ambry Variant Classification Scheme 2023. Collection method: clinical testing. Allele origin: germline.

Literature cited by the submitters: PubMed 38958168 (cited by Labcorp Genetics (formerly Invitae), Labcorp).